The following is an entry in ClinVar:

NM_006914.4(RORB):c.1328C>T (p.Pro443Leu)

Genes: RORB (RAR related orphan receptor B; plus strand), LOC124310566 (Sharpr-MPRA regulatory region 9792; plus strand). Cytogenetic location: 9q21.13.
Variant type: single nucleotide variant.
Coding change: c.1328C>T on transcript NM_006914.4 (MANE Select); coding-DNA position 1328, C replaced by T.
Protein change: p.Pro443Leu; replaces proline 443 with leucine.
Molecular consequence: missense variant.
Genome position (GRCh38, 1-based): chr9:74,685,566, C>T. VCF-style: chr9-74685566-C-T. GRCh37 (hg19) VCF-style: chr9-77300482-C-T.
Other names: c.1361C>T, p.Pro454Leu (NM_001365023.1); short protein forms P443L, P454L.
Identifiers: ClinVar variation 4726174 (VCV004726174.1).

ClinVar aggregate classification (germline): Uncertain significance (1 of 4 stars; one submission).

Submission:

Labcorp Genetics (formerly Invitae), Labcorp
Classification: Uncertain significance. Last evaluated: 2025-08-29. Review status: criteria provided, single submitter. Criteria: Invitae Variant Classification Sherloc (09022015). Collection method: clinical testing. Allele origin: germline.
Comment: This sequence change replaces proline, which is neutral and non-polar, with leucine, which is neutral and non-polar, at codon 443 of the RORB protein (p.Pro443Leu). This variant is not present in population databases (gnomAD no frequency). This variant has not been reported in the literature in individuals affected with RORB-related conditions. An algorithm developed to predict the effect of missense changes on protein structure and function (PolyPhen-2) suggests that this variant is likely to be disruptive. In summary, the available evidence is currently insufficient to determine the role of this variant in disease. Therefore, it has been classified as a Variant of Uncertain Significance.